The following is an entry in ClinVar:

ClinVar aggregate classification (germline): Uncertain significance (1 of 4 stars; one submission).

Conditions:
Primary ciliary dyskinesia 23 (CILD23). Also called: CILIARY DYSKINESIA, PRIMARY, 23, WITH OR WITHOUT SITUS INVERSUS. Identifiers: Orphanet 244, MedGen C3809548, MONDO:0014193, OMIM 615451.

gnomAD v4.1: 1 of 1,613,118 alleles (0.000062%); highest among the groups gnomAD compares: Non-Finnish European, 0.000085%; no homozygotes.

Submission:

Labcorp Genetics (formerly Invitae), Labcorp
Classification: Uncertain significance for Primary ciliary dyskinesia 23. Last evaluated: 2025-08-26. Review status: criteria provided, single submitter. Criteria: Invitae Variant Classification Sherloc (09022015). Collection method: clinical testing. Allele origin: germline.
Comment: This sequence change replaces alanine, which is neutral and non-polar, with glycine, which is neutral and non-polar, at codon 29 of the ARMC4 protein (p.Ala29Gly). This variant is not present in population databases (gnomAD no frequency). This variant has not been reported in the literature in individuals affected with ARMC4-related conditions. An algorithm developed to predict the effect of missense changes on protein structure and function (PolyPhen-2) suggests that this variant is likely to be tolerated. In summary, the available evidence is currently insufficient to determine the role of this variant in disease. Therefore, it has been classified as a Variant of Uncertain Significance.

NM_018076.5(ODAD2):c.86C>G (p.Ala29Gly)

Genes: ODAD2 (outer dynein arm docking complex subunit 2; minus strand), LOC126860891 (CDK7 strongly-dependent group 2 enhancer GRCh37_chr10:28283413-28284612; plus strand). Cytogenetic location: 10p12.1.
Variant type: single nucleotide variant.
Coding change: c.86C>G on transcript NM_018076.5 (MANE Select); coding-DNA position 86, C replaced by G.
Protein change: p.Ala29Gly; replaces alanine 29 with glycine.
Molecular consequence: missense variant.
Genome position (GRCh38, 1-based): chr10:27,995,057, G>C on the plus strand (C>G on the coding strand, the complement: ODAD2 is on the minus strand). VCF-style: chr10-27995057-G-C. GRCh37 (hg19) VCF-style: chr10-28283986-G-C.
Other names: c.86C>G, p.Ala29Gly (NM_001290020.2); short protein forms A29G.
Identifiers: ClinVar variation 4805370 (VCV004805370.1).